The following is an entry in ClinVar:

NM_002439.5(MSH3):c.1268C>T (p.Pro423Leu)

Gene: MSH3 (mutS homolog 3; plus strand). Cytogenetic location: 5q14.1.
Variant type: single nucleotide variant.
Coding change: c.1268C>T on transcript NM_002439.5 (MANE Select); coding-DNA position 1268, C replaced by T.
Protein change: p.Pro423Leu; replaces proline 423 with leucine.
Molecular consequence: missense variant.
Genome position (GRCh38, 1-based): chr5:80,679,021, C>T. VCF-style: chr5-80679021-C-T. GRCh37 (hg19) VCF-style: chr5-79974840-C-T.
Other names: short protein forms P423L.
Identifiers: ClinVar variation 1023903 (VCV001023903.11), dbSNP rs1749905246, ClinGen allele CA360269012.
Genomic context (GRCh38, chr5:80,679,021, plus strand): 5'-ATAGTTTCCAGGACTCTGCTTCTCGTTCAGAGCTAGAAACCCGGATGTCAAGCCTGCAGC[C>T]AGTAGAGCTGCTGCTTCCTTCGGCCTTGTCCGAGCAAACAGAGGCGCTCATCCACAGAGC-3'
Protein context (NP_002430.3, residues 413-433): ELETRMSSLQ[Pro423Leu]VELLLPSALS

ClinVar aggregate classification (germline): Uncertain significance. Review status: criteria provided, multiple submitters, no conflicts (2 of 4 stars). 2 submissions from 2 submitters: Uncertain significance (2). Last evaluated 2024-11-22.

Conditions:
Hereditary cancer-predisposing syndrome. Also called: Hereditary Cancer Syndrome; Neoplastic Syndromes, Hereditary; Tumor predisposition; Hereditary neoplastic syndrome. Identifiers: Orphanet 140162, MedGen C0027672, MeSH D009386, MONDO:0015356.

Allele frequency attached by ClinVar (database versions not stated): gnomAD exomes below 0.00001.
gnomAD v4.1: 2 of 1,614,106 alleles (0.00012%); highest among the groups gnomAD compares: Non-Finnish European, 0.00017%; no homozygotes.

Submissions (2):

Ambry Genetics
Classification: Uncertain significance for Hereditary cancer-predisposing syndrome. Last evaluated: 2024-11-22. Review status: criteria provided, single submitter. Criteria: Ambry Variant Classification Scheme 2023. Collection method: clinical testing. Allele origin: germline.
Comment: The p.P423L variant (also known as c.1268C>T), located in coding exon 8 of the MSH3 gene, results from a C to T substitution at nucleotide position 1268. The proline at codon 423 is replaced by leucine, an amino acid with similar properties. This amino acid position is highly conserved in available vertebrate species. In addition, this alteration is predicted to be deleterious by in silico analysis. Since supporting evidence is limited at this time, the clinical significance of this alteration remains unclear.

Labcorp Genetics (formerly Invitae), Labcorp
Classification: Uncertain significance. Last evaluated: 2023-09-12. Review status: criteria provided, single submitter. Criteria: Invitae Variant Classification Sherloc (09022015). Collection method: clinical testing. Allele origin: germline.
Comment: This sequence change replaces proline, which is neutral and non-polar, with leucine, which is neutral and non-polar, at codon 423 of the MSH3 protein (p.Pro423Leu). This variant is not present in population databases (gnomAD no frequency). This variant has not been reported in the literature in individuals affected with MSH3-related conditions. ClinVar contains an entry for this variant (Variation ID: 1023903). An algorithm developed to predict the effect of missense changes on protein structure and function (PolyPhen-2) suggests that this variant is likely to be disruptive. In summary, the available evidence is currently insufficient to determine the role of this variant in disease. Therefore, it has been classified as a Variant of Uncertain Significance.